The following is an entry in ClinVar:

NM_000209.4(PDX1):c.206A>G (p.Glu69Gly)

Gene: PDX1 (pancreatic and duodenal homeobox 1; plus strand). Cytogenetic location: 13q12.2.
Variant type: single nucleotide variant.
Coding change: c.206A>G on transcript NM_000209.4 (MANE Select); coding-DNA position 206, A replaced by G.
Protein change: p.Glu69Gly; replaces glutamic acid 69 with glycine.
Molecular consequence: missense variant.
Genome position (GRCh38, 1-based): chr13:27,920,344, A>G. VCF-style: chr13-27920344-A-G. GRCh37 (hg19) VCF-style: chr13-28494481-A-G.
Other names: short protein forms E69G.
Identifiers: ClinVar variation 2630765 (VCV002630765.2), dbSNP rs2500199836, ClinGen allele CA387644412.

ClinVar aggregate classification (germline): Uncertain significance (0 of 4 stars; one submission).

Conditions:
PDX1-related disorder. Also called: PDX1-related condition; PDX1-related disorders.

Submission:

PreventionGenetics, part of Exact Sciences
Classification: Uncertain significance for PDX1-related condition. Last evaluated: 2024-07-29. Review status: no assertion criteria provided. Collection method: clinical testing. Allele origin: germline.
Comment: The PDX1 c.206A>G variant is predicted to result in the amino acid substitution p.Glu69Gly. To our knowledge, this variant has not been reported in the literature or in a large population database, indicating this variant is rare. At this time, the clinical significance of this variant is uncertain due to the absence of conclusive functional and genetic evidence.